The following is an entry in ClinVar:

ClinVar aggregate classification (germline): Uncertain significance (1 of 4 stars; one submission).

Conditions:
Emery-Dreifuss muscular dystrophy (EDMD). Also called: Scapuloperoneal syndrome, X-linked (formerly); Humeroperoneal neuromuscular disease, (formerly). Identifiers: Orphanet 261, MedGen C0410189, MONDO:0016830.

Allele frequency attached by ClinVar (database versions not stated): gnomAD 0.00001; TOPMed 0.00002.
gnomAD v4.1: 20 of 1,614,234 alleles (0.0012%); highest among the groups gnomAD compares: Admixed American, 0.012%; no homozygotes.

Submission:

Labcorp Genetics (formerly Invitae), Labcorp
Classification: Uncertain significance for Emery-Dreifuss muscular dystrophy. Last evaluated: 2024-10-09. Review status: criteria provided, single submitter. Criteria: Invitae Variant Classification Sherloc (09022015). Collection method: clinical testing. Allele origin: germline.
Comment: This sequence change replaces valine, which is neutral and non-polar, with isoleucine, which is neutral and non-polar, at codon 562 of the SUN1 protein (p.Val562Ile). This variant is present in population databases (rs749673318, gnomAD 0.01%). This variant has not been reported in the literature in individuals affected with SUN1-related conditions. ClinVar contains an entry for this variant (Variation ID: 952613). An algorithm developed to predict the effect of missense changes on protein structure and function outputs the following: PolyPhen-2: "Benign". The isoleucine amino acid residue is found in multiple mammalian species, which suggests that this missense change does not adversely affect protein function. In summary, the available evidence is currently insufficient to determine the role of this variant in disease. Therefore, it has been classified as a Variant of Uncertain Significance.

NM_001130965.3(SUN1):c.1684G>A (p.Val562Ile)

Gene: SUN1 (Sad1 and UNC84 domain containing 1; plus strand). Cytogenetic location: 7p22.3.
Variant type: single nucleotide variant.
Coding change: c.1684G>A on transcript NM_001130965.3 (MANE Select); coding-DNA position 1684, G replaced by A.
Protein change: p.Val562Ile; replaces valine 562 with isoleucine.
Molecular consequence: missense variant. On other transcripts: non-coding transcript variant (3).
Genome position (GRCh38, 1-based): chr7:860,287, G>A. VCF-style: chr7-860287-G-A. GRCh37 (hg19) VCF-style: chr7-899924-G-A.
Other names: c.1651G>A, p.Val551Ile (NM_001367672.1); c.1816G>A, p.Val606Ile (NM_001367673.1, NM_001367706.1); c.1882G>A, p.Val628Ile (NM_001367674.1); c.1834G>A, p.Val612Ile (NM_001367675.1); c.1618G>A, p.Val540Ile (NM_001367680.1); c.1732G>A, p.Val578Ile (NM_001367681.1, NM_001367645.1); c.1966G>A, p.Val656Ile (NM_001367682.1, NM_001367641.1); c.1867G>A, p.Val623Ile (NM_001367676.1); and 43 more; short protein forms V445I, V516I, V561I, V589I, V605I, V632I, V642I, V655I.
Identifiers: ClinVar variation 952613 (VCV000952613.9), dbSNP rs749673318, ClinGen allele CA4112331.